The following is an entry in ClinVar:

ClinVar aggregate classification (germline): Uncertain significance (1 of 4 stars; one submission).

Submission:

Labcorp Genetics (formerly Invitae), Labcorp
Classification: Uncertain significance. Last evaluated: 2022-08-22. Review status: criteria provided, single submitter. Criteria: Invitae Variant Classification Sherloc (09022015). Collection method: clinical testing. Allele origin: germline.
Comment: This sequence change replaces lysine, which is basic and polar, with arginine, which is basic and polar, at codon 126 of the CWC27 protein (p.Lys126Arg). This variant is not present in population databases (gnomAD no frequency). This variant has not been reported in the literature in individuals affected with CWC27-related conditions. Algorithms developed to predict the effect of missense changes on protein structure and function are either unavailable or do not agree on the potential impact of this missense change (SIFT: "Deleterious"; PolyPhen-2: "Benign"; Align-GVGD: "Class C25"). In summary, the available evidence is currently insufficient to determine the role of this variant in disease. Therefore, it has been classified as a Variant of Uncertain Significance.

NM_005869.4(CWC27):c.377A>G (p.Lys126Arg)

Gene: CWC27 (CWC27 spliceosome associated cyclophilin; plus strand). Cytogenetic location: 5q12.3.
Variant type: single nucleotide variant.
Coding change: c.377A>G on transcript NM_005869.4 (MANE Select); coding-DNA position 377, A replaced by G.
Protein change: p.Lys126Arg; replaces lysine 126 with arginine.
Molecular consequence: missense variant.
Genome position (GRCh38, 1-based): chr5:64,783,960, A>G. VCF-style: chr5-64783960-A-G. GRCh37 (hg19) VCF-style: chr5-64079787-A-G.
Other names: c.377A>G, p.Lys126Arg (NM_001297644.1, NM_001297645.2, NM_001318000.2 and 1 more transcripts); short protein forms K126R.
Identifiers: ClinVar variation 1717621 (VCV001717621.3), dbSNP rs2531261271, ClinGen allele CA359844430.